The following is an entry in ClinVar:

NM_001347721.2(DYRK1A):c.627A>G (p.Lys209=)

Gene: DYRK1A (dual specificity tyrosine phosphorylation regulated kinase 1A; plus strand). Cytogenetic location: 21q22.13.
Variant type: single nucleotide variant.
Coding change: c.627A>G on transcript NM_001347721.2 (MANE Select); coding-DNA position 627, A replaced by G.
Protein change: p.Lys209=; no amino-acid change (lysine 209 retained).
Molecular consequence: synonymous variant.
Genome position (GRCh38, 1-based): chr21:37,486,604, A>G. VCF-style: chr21-37486604-A-G. GRCh37 (hg19) VCF-style: chr21-38858906-A-G.
Other names: c.627A>G, p.Lys209= (NM_001347722.2, NM_130436.2); c.540A>G, p.Lys180= (NM_001347723.2); c.654A>G, p.Lys218= (NM_001396.5, NM_101395.2, NM_130438.2).
Identifiers: ClinVar variation 1571406 (VCV001571406.15), dbSNP rs1130754, ClinGen allele CA10023816.

ClinVar aggregate classification (germline): Benign/Likely benign. Review status: criteria provided, multiple submitters, no conflicts (2 of 4 stars). 3 submissions from 3 submitters: Benign (1); Likely benign (2). Last evaluated 2025-12-01.

Conditions:
Inborn genetic diseases. Identifiers: MedGen C0950123, MeSH D030342.
DYRK1A-related intellectual disability syndrome (MRD7). Also called: DYRK1A Syndrome; Intellectual developmental disorder, autosomal dominant 7. Identifiers: Orphanet 464306, MedGen C5568143, MONDO:0013578, OMIM 614104.

Allele frequency attached by ClinVar (database versions not stated): gnomAD exomes 0.00001 and 0.00005; ExAC 0.00002; TOPMed 0.00018; gnomAD 0.00019 and 0.00020.
gnomAD v4.1: 49 of 1,586,656 alleles (0.0031%); highest among the groups gnomAD compares: Admixed American, 0.064%; no homozygotes.

Submissions (3):

CeGaT Center for Human Genetics Tuebingen
Classification: Likely benign. Last evaluated: 2025-12-01. Review status: criteria provided, single submitter. Criteria: CeGaT Center For Human Genetics Tuebingen Variant Classification Criteria Version 2. Collection method: clinical testing. Allele origin: germline. Affected: yes. Observed: 1 variant allele.
Comment: DYRK1A: BP4, BP7

Labcorp Genetics (formerly Invitae), Labcorp
Classification: Likely benign for DYRK1A-related intellectual disability syndrome. Last evaluated: 2025-10-01. Review status: criteria provided, single submitter. Criteria: Invitae Variant Classification Sherloc (09022015). Collection method: clinical testing. Allele origin: germline.

Ambry Genetics
Classification: Benign for Inborn genetic diseases. Last evaluated: 2019-04-15. Review status: criteria provided, single submitter. Criteria: Ambry Variant Classification Scheme 2023. Collection method: clinical testing. Allele origin: germline.